The following is an entry in ClinVar:

ClinVar aggregate classification (germline): Uncertain significance. Review status: criteria provided, multiple submitters, no conflicts (2 of 4 stars). 2 submissions from 2 submitters: Uncertain significance (2). Last evaluated 2026-06-30.

Conditions:
SLC4A11-related disorder. Also called: SLC4A11-related condition.
Congenital hereditary endothelial dystrophy of cornea. Also called: Corneal endothelial dystrophy, autosomal recessive; CORNEAL DYSTROPHY, CONGENITAL HEREDITARY ENDOTHELIAL; Congenital hereditary endothelial dystrophy of the cornea; Maumenee corneal dystrophy; Congenital hereditary endothelial dystrophy type II. Identifiers: Orphanet 293603, MedGen C1857569, MONDO:0009019, OMIM 217700.

Submissions (2):

PreventionGenetics, part of Exact Sciences
Classification: Uncertain significance for SLC4A11-related condition. Last evaluated: 2026-06-30. Review status: criteria provided, single submitter. Criteria: ACMG Guidelines, 2015. Collection method: clinical testing. Allele origin: germline.
Comment: The SLC4A11 c.1847C>T variant is predicted to result in the amino acid substitution p.Ala616Val. To our knowledge, this variant has not been reported in the literature. This variant is reported in 0.0085% of alleles in individuals of European (Non-Finnish) descent in gnomAD. At this time, the clinical significance of this variant is uncertain due to the absence of conclusive functional and genetic evidence.

Genomic Medicine Center of Excellence, King Faisal Specialist Hospital and Research Centre
Classification: Uncertain significance for Congenital hereditary endothelial dystrophy of cornea. Last evaluated: 2024-12-18. Review status: criteria provided, single submitter. Criteria: ACMG Guidelines, 2015. Collection method: clinical testing. Allele origin: germline.

NM_001174089.2(SLC4A11):c.1799C>T (p.Ala600Val)

Gene: SLC4A11 (solute carrier family 4 member 11; minus strand). Cytogenetic location: 20p13.
Variant type: single nucleotide variant.
Coding change: c.1799C>T on transcript NM_001174089.2 (MANE Select); coding-DNA position 1799, C replaced by T.
Protein change: p.Ala600Val; replaces alanine 600 with valine.
Molecular consequence: missense variant. On other transcripts: non-coding transcript variant (3).
Genome position (GRCh38, 1-based): chr20:3,229,396, G>A on the plus strand (C>T on the coding strand, the complement: SLC4A11 is on the minus strand). VCF-style: chr20-3229396-G-A. GRCh37 (hg19) VCF-style: chr20-3210042-G-A.
Other names: c.1928C>T, p.Ala643Val (NM_001174090.2); c.1685C>T, p.Ala562Val (NM_001363745.2); c.1742C>T, p.Ala581Val (NM_001400277.1, NM_001400278.1, NM_001400279.1); c.1814C>T, p.Ala605Val (NM_001400280.1); c.1847C>T, p.Ala616Val (NM_032034.4); c.1847C>T (NM_032034.3); short protein forms A562V, A581V, A600V, A605V, A616V, A643V.
Identifiers: ClinVar variation 3391123 (VCV003391123.2).
Genomic context (GRCh38, chr20:3,229,396, plus strand): 5'-CCCAACTCACTCTCGATTTCCCGGAAGCCATGGGAGCTGATGAGGGAGAAGGCGAGCACC[G>A]CGATGGGCAGGGCGCAGTCGGACAGGATCTCTCGCACGCAGGGGTGCAGGTAGGGGCTGG-3'
Protein context (NP_001167560.1, residues 590-610): EILSDCALPI[Ala600Val]VLAFSLISSH